The following is an entry in ClinVar:

NM_003482.4(KMT2D):c.12952_12953del (p.Lys4318fs)

Gene: KMT2D (lysine methyltransferase 2D; minus strand). Cytogenetic location: 12q13.12.
Variant type: Deletion.
Coding change: c.12952_12953del on transcript NM_003482.4 (MANE Select); coding-DNA positions 12952 to 12953, 2 bases deleted (AA; older notation c.12952_12953delAA).
Protein change: p.Lys4318fs; shifts the reading frame from lysine 4318.
Molecular consequence: frameshift variant.
Genome position (GRCh38, 1-based): chr12:49,031,752-49,031,753, TT deleted on the plus strand (AA on the coding strand, the reverse complement: KMT2D is on the minus strand); deleting any 2 consecutive bases within chr12:49,031,752-49,031,754 gives the same sequence; the c. name uses the placement nearest the transcript's 3' end. VCF-style (leftmost placement, unchanged base first): chr12-49031751-CTT-C. GRCh37 (hg19) VCF-style: chr12-49425534-CTT-C.
Other names: c.12951_12952delAA, p.Lys4318Glufs (NM_003482.3); short protein forms K4318fs.
Identifiers: ClinVar variation 4891486 (VCV004891486.1).
Genomic context (GRCh38, chr12:49,031,751, plus strand): 5'-GGGAGGGAGCTGGGCCTCAGTGGGAAGCTGGGAGCTGGGGGAAGGTAATTGTGAAGGTCT[CTT>C]TGGCTCTTGAGGGCTGGATGGTGGAGGTGTGGGATGGACAGGGCCAAGGACTGGTCCTGT-3'

ClinVar aggregate classification (germline): Pathogenic (1 of 4 stars; one submission).

Submission:

GeneDx
Classification: Pathogenic. Last evaluated: 2026-01-25. Review status: criteria provided, single submitter. Criteria: GeneDx Variant Classification Process June 2021. Collection method: clinical testing. Allele origin: germline.
Comment: Frameshift variant predicted to result in protein truncation or nonsense mediated decay in a gene for which loss of function is a known mechanism of disease; Not observed at significant frequency in large population cohorts (gnomAD); Has not been previously published as pathogenic or benign to our knowledge